The following is an entry in ClinVar:

NM_014003.4(DHX38):c.1360C>T (p.His454Tyr)

Gene: DHX38 (DEAH-box helicase 38; plus strand). Cytogenetic location: 16q22.2.
Variant type: single nucleotide variant.
Coding change: c.1360C>T on transcript NM_014003.4 (MANE Select); coding-DNA position 1360, C replaced by T.
Protein change: p.His454Tyr; replaces histidine 454 with tyrosine.
Molecular consequence: missense variant.
Genome position (GRCh38, 1-based): chr16:72,101,167, C>T. VCF-style: chr16-72101167-C-T. GRCh37 (hg19) VCF-style: chr16-72135066-C-T.
Other names: short protein forms H454Y.
Identifiers: ClinVar variation 1050438 (VCV001050438.1), dbSNP rs2144145833, ClinGen allele CA396706171.

ClinVar aggregate classification (germline): Uncertain significance (0 of 4 stars; one submission).

Allele frequency attached by ClinVar (database versions not stated): gnomAD exomes below 0.00001.
gnomAD v4.1: 4 of 1,614,278 alleles (0.00025%); highest among the groups gnomAD compares: Non-Finnish European, 0.00034%; no homozygotes.

Submission:

Department of Pathology and Laboratory Medicine, Sinai Health System
Classification: Uncertain significance. Review status: no assertion criteria provided. Collection method: clinical testing. Allele origin: unknown. Affected: yes. Study: The Canadian Open Genetics Repository (COGR).
Comment: The DHX38 p.His454Tyr variant was not identified in the literature nor was it identified in dbSNP, ClinVar, LOVD 3.0 or in the following control databases: the 1000 Genomes Project, the NHLBI GO Exome Sequencing Project, or the Genome Aggregation Database (March 6, 2019, v2.1.1). The p.His454 residue is conserved in mammals but not in more distantly related organisms however four out of five computational analyses (PolyPhen-2, SIFT, AlignGVGD, BLOSUM, MutationTaster) do not suggest a high likelihood of impact to the protein; this information is not predictive enough to rule out pathogenicity. The variant occurs outside of the splicing consensus sequence and in silico or computational prediction software programs (SpliceSiteFinder, MaxEntScan, NNSPLICE, GeneSplicer) do not predict a difference in splicing. In summary, based on the above information the clinical significance of this variant cannot be determined with certainty at this time. This variant is classified as a variant of uncertain significance.